The following is an entry in ClinVar:

ClinVar aggregate classification (germline): Uncertain significance. Review status: criteria provided, multiple submitters, no conflicts (2 of 4 stars). 2 submissions from 2 submitters: Uncertain significance (2). Last evaluated 2026-04-03.

Conditions:
Familial adenomatous polyposis 1 (FAP1). Also called: FAMILIAL ADENOMATOUS POLYPOSIS 1, ATTENUATED; POLYPOSIS, ADENOMATOUS INTESTINAL. Identifiers: MedGen C2713442, MONDO:0021056, OMIM 175100. Disease mechanism: loss of function.
Hereditary cancer-predisposing syndrome. Also called: Tumor predisposition; Neoplastic Syndromes, Hereditary; Hereditary neoplastic syndrome; Hereditary Cancer Syndrome. Identifiers: Orphanet 140162, MedGen C0027672, MeSH D009386, MONDO:0015356.

Allele frequency attached by ClinVar (database versions not stated): gnomAD exomes below 0.00001.
gnomAD v4.1: 1 of 1,614,152 alleles (0.000062%); highest among the groups gnomAD compares: African/African-American, 0.0013%; no homozygotes.

Submissions (2):

Ambry Genetics
Classification: Uncertain significance for Hereditary cancer-predisposing syndrome. Last evaluated: 2026-04-03. Review status: criteria provided, single submitter. Criteria: Ambry Variant Classification Scheme 2023. Collection method: clinical testing. Allele origin: germline.
Comment: The p.V1352I variant (also known as c.4054G>A), located in coding exon 15 of the APC gene, results from a G to A substitution at nucleotide position 4054. The valine at codon 1352 is replaced by isoleucine, an amino acid with highly similar properties. This amino acid position is conserved. In addition, in silico predictors for this gene do not accurately predict pathogenicity. Based on the available evidence, the clinical significance of this variant remains unclear.

Labcorp Genetics (formerly Invitae), Labcorp
Classification: Uncertain significance for Familial adenomatous polyposis 1. Last evaluated: 2024-09-24. Review status: criteria provided, single submitter. Criteria: Invitae Variant Classification Sherloc (09022015). Collection method: clinical testing. Allele origin: germline.
Comment: This sequence change replaces valine, which is neutral and non-polar, with isoleucine, which is neutral and non-polar, at codon 1352 of the APC protein (p.Val1352Ile). This variant is not present in population databases (gnomAD no frequency). This variant has not been reported in the literature in individuals affected with APC-related conditions. ClinVar contains an entry for this variant (Variation ID: 852843). Invitae Evidence Modeling of protein sequence and biophysical properties (such as structural, functional, and spatial information, amino acid conservation, physicochemical variation, residue mobility, and thermodynamic stability) indicates that this missense variant is not expected to disrupt APC protein function with a negative predictive value of 95%. In summary, the available evidence is currently insufficient to determine the role of this variant in disease. Therefore, it has been classified as a Variant of Uncertain Significance.

NM_000038.6(APC):c.4054G>A (p.Val1352Ile)

Gene: APC (APC regulator of Wnt signaling pathway; plus strand). Cytogenetic location: 5q22.2.
Variant type: single nucleotide variant.
Coding change: c.4054G>A on transcript NM_000038.6 (MANE Select); coding-DNA position 4054, G replaced by A.
Protein change: p.Val1352Ile; replaces valine 1352 with isoleucine.
Molecular consequence: missense variant.
Genome position (GRCh38, 1-based): chr5:112,839,648, G>A. VCF-style: chr5-112839648-G-A. GRCh37 (hg19) VCF-style: chr5-112175345-G-A.
Other names: c.4054G>A, p.Val1352Ile (NM_001127510.3, NM_001354895.2); c.4000G>A, p.Val1334Ile (NM_001127511.3); c.4108G>A, p.Val1370Ile (NM_001354896.2); c.4084G>A, p.Val1362Ile (NM_001354897.2); c.3979G>A, p.Val1327Ile (NM_001354898.2); c.3970G>A, p.Val1324Ile (NM_001354899.2); c.3931G>A, p.Val1311Ile (NM_001354900.2); c.3877G>A, p.Val1293Ile (NM_001354901.2); and 5 more; short protein forms V1324I, V1334I, V1069I, V1261I, V1327I, V1362I, V1251I, V1192I.
Identifiers: ClinVar variation 852843 (VCV000852843.12), dbSNP rs1765590845, ClinGen allele CA16030215.